The following is an entry in ClinVar:

NM_145020.5(CFAP53):c.20G>T (p.Gly7Val)

Gene: CFAP53 (cilia and flagella associated protein 53; minus strand). Cytogenetic location: 18q21.1.
Variant type: single nucleotide variant.
Coding change: c.20G>T on transcript NM_145020.5 (MANE Select); coding-DNA position 20, G replaced by T.
Protein change: p.Gly7Val; replaces glycine 7 with valine.
Molecular consequence: missense variant.
Genome position (GRCh38, 1-based): chr18:50,266,385, C>A on the plus strand (G>T on the coding strand, the complement: CFAP53 is on the minus strand). VCF-style: chr18-50266385-C-A. GRCh37 (hg19) VCF-style: chr18-47792755-C-A.
Other names: c.20G>T (NM_145020.3); short protein forms G7V.
Identifiers: ClinVar variation 2768045 (VCV002768045.4), dbSNP rs746495360, ClinGen allele CA8962550.

ClinVar aggregate classification (germline): Uncertain significance. Review status: criteria provided, multiple submitters, no conflicts (2 of 4 stars). 2 submissions from 2 submitters: Uncertain significance (2). Last evaluated 2023-10-14.

Conditions:
Heterotaxy, visceral, 6, autosomal (HTX6). Also called: Heterotaxy, visceral, 6, autosomal recessive. Identifiers: Orphanet 450, MedGen C3553676, MONDO:0013887, OMIM 614779.
Inborn genetic diseases. Identifiers: MedGen C0950123, MeSH D030342.

Allele frequency attached by ClinVar (database versions not stated): gnomAD exomes below 0.00001; TOPMed below 0.00001; ExAC 0.00001.
gnomAD v4.1: 6 of 1,614,272 alleles (0.00037%); highest among the groups gnomAD compares: African/African-American, 0.0013%; no homozygotes.

Submissions (2):

Ambry Genetics
Classification: Uncertain significance for Inborn genetic diseases. Last evaluated: 2023-10-14. Review status: criteria provided, single submitter. Criteria: Ambry Variant Classification Scheme 2023. Collection method: clinical testing. Allele origin: germline.

Labcorp Genetics (formerly Invitae), Labcorp
Classification: Uncertain significance for Heterotaxy, visceral, 6, autosomal. Last evaluated: 2023-06-17. Review status: criteria provided, single submitter. Criteria: Invitae Variant Classification Sherloc (09022015). Collection method: clinical testing. Allele origin: germline.
Comment: In summary, the available evidence is currently insufficient to determine the role of this variant in disease. Therefore, it has been classified as a Variant of Uncertain Significance. An algorithm developed to predict the effect of missense changes on protein structure and function (PolyPhen-2) suggests that this variant is likely to be disruptive. This variant has not been reported in the literature in individuals affected with CFAP53-related conditions. This variant is not present in population databases (gnomAD no frequency). This sequence change replaces glycine, which is neutral and non-polar, with valine, which is neutral and non-polar, at codon 7 of the CFAP53 protein (p.Gly7Val).